The following is an entry in ClinVar:

ClinVar aggregate classification (germline): Uncertain significance. Review status: criteria provided, multiple submitters, no conflicts (2 of 4 stars). 4 submissions from 4 submitters: Uncertain significance (3). 1 of the submissions does not count toward it. Last evaluated 2022-10-17.

Conditions:
Autosomal recessive retinitis pigmentosa. Identifiers: MedGen C0339526.

Allele frequency attached by ClinVar (database versions not stated): gnomAD 0.00004; TOPMed 0.00006.
gnomAD v4.1: 33 of 1,551,514 alleles (0.0021%); highest among the groups gnomAD compares: Admixed American, 0.057%; no homozygotes.

Submissions (4):

Labcorp Genetics (formerly Invitae), Labcorp
Classification: Uncertain significance. Last evaluated: 2022-10-17. Review status: criteria provided, single submitter. Criteria: Invitae Variant Classification Sherloc (09022015). Collection method: clinical testing. Allele origin: germline.
Comment: This sequence change replaces methionine, which is neutral and non-polar, with valine, which is neutral and non-polar, at codon 2255 of the EYS protein (p.Met2255Val). This variant is present in population databases (no rsID available, gnomAD 0.07%). This missense change has been observed in individual(s) with retinitis pigmentosa (Invitae). ClinVar contains an entry for this variant (Variation ID: 991105). Advanced modeling of protein sequence and biophysical properties (such as structural, functional, and spatial information, amino acid conservation, physicochemical variation, residue mobility, and thermodynamic stability) has been performed at Invitae for this missense variant, however the output from this modeling did not meet the statistical confidence thresholds required to predict the impact of this variant on EYS protein function. In summary, the available evidence is currently insufficient to determine the role of this variant in disease. Therefore, it has been classified as a Variant of Uncertain Significance.

Blueprint Genetics
Classification: Uncertain significance. Last evaluated: 2022-10-03. Review status: criteria provided, single submitter. Criteria: ACMG Guidelines, 2015. Collection method: clinical testing. Allele origin: germline.

GeneDx
Classification: Uncertain significance. Last evaluated: 2019-04-18. Review status: criteria provided, single submitter. Criteria: GeneDx Variant Classification Process June 2021. Collection method: clinical testing. Allele origin: germline. Affected: yes.
Comment: In silico analysis, which includes protein predictors and evolutionary conservation, supports that this variant does not alter protein structure/function; Has not been previously published as pathogenic or benign to our knowledge

Natera, Inc.
Classification: Uncertain significance for Autosomal recessive retinitis pigmentosa. Last evaluated: 2020-10-16. Review status: no assertion criteria provided. Collection method: clinical testing. Allele origin: germline. Not counted in ClinVar's aggregate classification.

NM_001142800.2(EYS):c.6763A>G (p.Met2255Val)

Gene: EYS (EGF-like photoreceptor maintenance factor; minus strand). Cytogenetic location: 6q12.
Variant type: single nucleotide variant.
Coding change: c.6763A>G on transcript NM_001142800.2 (MANE Select); coding-DNA position 6763, A replaced by G.
Protein change: p.Met2255Val; replaces methionine 2255 with valine.
Molecular consequence: missense variant.
Genome position (GRCh38, 1-based): chr6:63,999,146, T>C on the plus strand (A>G on the coding strand, the complement: EYS is on the minus strand). VCF-style: chr6-63999146-T-C. GRCh37 (hg19) VCF-style: chr6-64709039-T-C.
Other names: c.6763A>G, p.Met2255Val (NM_001292009.2); short protein forms M2255V.
Identifiers: ClinVar variation 991105 (VCV000991105.5), dbSNP rs1015509320, ClinGen allele CA140268549.